The following is an entry in ClinVar:

NM_198075.4(LRRC56):c.1097C>G (p.Thr366Ser)

Gene: LRRC56 (leucine rich repeat containing 56; plus strand). Cytogenetic location: 11p15.5.
Variant type: single nucleotide variant.
Coding change: c.1097C>G on transcript NM_198075.4 (MANE Select); coding-DNA position 1097, C replaced by G.
Protein change: p.Thr366Ser; replaces threonine 366 with serine.
Molecular consequence: missense variant.
Genome position (GRCh38, 1-based): chr11:552,148, C>G. VCF-style: chr11-552148-C-G. GRCh37 (hg19) VCF-style: chr11-552148-C-G.
Other names: c.1097C>G, p.Thr366Ser (NM_001441283.1, NM_001441284.1); c.920C>G, p.Thr307Ser (NM_001441285.1, NM_001441286.1); short protein forms T307S, T366S.
Identifiers: ClinVar variation 4805521 (VCV004805521.1).

ClinVar aggregate classification (germline): Uncertain significance (1 of 4 stars; one submission).

Submission:

Labcorp Genetics (formerly Invitae), Labcorp
Classification: Uncertain significance. Last evaluated: 2025-10-19. Review status: criteria provided, single submitter. Criteria: Invitae Variant Classification Sherloc (09022015). Collection method: clinical testing. Allele origin: germline.
Comment: This sequence change replaces threonine, which is neutral and polar, with serine, which is neutral and polar, at codon 366 of the LRRC56 protein (p.Thr366Ser). This variant is present in population databases (rs200926908, gnomAD 0.1%). This variant has not been reported in the literature in individuals affected with LRRC56-related conditions. Invitae Evidence Modeling of protein sequence and biophysical properties (such as structural, functional, and spatial information, amino acid conservation, physicochemical variation, residue mobility, and thermodynamic stability) indicates that this missense variant is not expected to disrupt LRRC56 protein function with a negative predictive value of 80%. In summary, the available evidence is currently insufficient to determine the role of this variant in disease. Therefore, it has been classified as a Variant of Uncertain Significance.